The following is an entry in ClinVar:

ClinVar aggregate classification (germline): Uncertain significance (1 of 4 stars; one submission).

Conditions:
Nemaline myopathy 2 (NEM2). Also called: Nemaline myopathy 2, autosomal recessive. Identifiers: MedGen C1850569, MONDO:0009725, OMIM 256030.

Allele frequency attached by ClinVar (database versions not stated): gnomAD exomes below 0.00001.
gnomAD v4.1: 1 of 1,613,466 alleles (0.000062%); highest among the groups gnomAD compares: Non-Finnish European, 0.000085%; no homozygotes.

Submission:

Labcorp Genetics (formerly Invitae), Labcorp
Classification: Uncertain significance for Nemaline myopathy 2. Last evaluated: 2022-01-03. Review status: criteria provided, single submitter. Criteria: Invitae Variant Classification Sherloc (09022015). Collection method: clinical testing. Allele origin: germline.
Comment: This sequence change replaces valine, which is neutral and non-polar, with isoleucine, which is neutral and non-polar, at codon 8308 of the NEB protein (p.Val8308Ile). This variant is not present in population databases (gnomAD no frequency). This variant has not been reported in the literature in individuals affected with NEB-related conditions. Algorithms developed to predict the effect of missense changes on protein structure and function are either unavailable or do not agree on the potential impact of this missense change (SIFT: "Deleterious"; PolyPhen-2: "Not Available"; Align-GVGD: "Class C0"). In summary, the available evidence is currently insufficient to determine the role of this variant in disease. Therefore, it has been classified as a Variant of Uncertain Significance.

NM_001164508.2(NEB):c.24817G>A (p.Val8273Ile)

Genes: NEB (nebulin; minus strand), RIF1 (replication timing regulatory factor 1; plus strand). Cytogenetic location: 2q23.3.
Variant type: single nucleotide variant.
Coding change: c.24817G>A on transcript NM_001164508.2 (MANE Select); coding-DNA position 24817, G replaced by A.
Protein change: p.Val8273Ile; replaces valine 8273 with isoleucine.
Molecular consequence: missense variant.
Genome position (GRCh38, 1-based): chr2:151,492,443, C>T on the plus strand (G>A on the coding strand, the complement: NEB is on the minus strand). VCF-style: chr2-151492443-C-T. GRCh37 (hg19) VCF-style: chr2-152348957-C-T.
Other names: c.24817G>A, p.Val8273Ile (NM_001164507.2); c.24922G>A, p.Val8308Ile (NM_001271208.2); c.19249G>A, p.Val6417Ile (NM_004543.5); short protein forms V8273I, V6417I, V8308I.
Identifiers: ClinVar variation 2176036 (VCV002176036.1), dbSNP rs2551710357, ClinGen allele CA348774262.